The following is an entry in ClinVar:

ClinVar aggregate classification (germline): Uncertain significance. Review status: criteria provided, multiple submitters, no conflicts (2 of 4 stars). 2 submissions from 2 submitters: Uncertain significance (2). Last evaluated 2024-04-18.

Conditions:
Familial cancer of breast. Also called: Hereditary breast cancer; hereditary breast carcinoma; BREAST CANCER, FAMILIAL. Identifiers: Orphanet 227535, MedGen C0346153, MONDO:0016419, OMIM 114480. Disease mechanism: loss of function.
Fanconi anemia complementation group J. Also called: BRIP1-Related Fanconi Anemia. Identifiers: Orphanet 84, MedGen C1836860, MONDO:0012187, OMIM 609054.
Hereditary cancer-predisposing syndrome. Also called: Hereditary Cancer Syndrome; Neoplastic Syndromes, Hereditary; Hereditary neoplastic syndrome; Tumor predisposition. Identifiers: Orphanet 140162, MedGen C0027672, MeSH D009386, MONDO:0015356.

Submissions (2):

Labcorp Genetics (formerly Invitae), Labcorp
Classification: Uncertain significance for Familial cancer of breast; Fanconi anemia complementation group J. Last evaluated: 2024-04-18. Review status: criteria provided, single submitter. Criteria: Invitae Variant Classification Sherloc (09022015). Collection method: clinical testing. Allele origin: germline.
Comment: This sequence change replaces glutamine, which is neutral and polar, with glutamic acid, which is acidic and polar, at codon 524 of the BRIP1 protein (p.Gln524Glu). This variant is not present in population databases (gnomAD no frequency). This variant has not been reported in the literature in individuals affected with BRIP1-related conditions. ClinVar contains an entry for this variant (Variation ID: 819571). Advanced modeling of protein sequence and biophysical properties (such as structural, functional, and spatial information, amino acid conservation, physicochemical variation, residue mobility, and thermodynamic stability) has been performed at Invitae for this missense variant, however the output from this modeling did not meet the statistical confidence thresholds required to predict the impact of this variant on BRIP1 protein function. In summary, the available evidence is currently insufficient to determine the role of this variant in disease. Therefore, it has been classified as a Variant of Uncertain Significance.

Ambry Genetics
Classification: Uncertain significance for Hereditary cancer-predisposing syndrome. Last evaluated: 2019-09-23. Review status: criteria provided, single submitter. Criteria: Ambry Variant Classification Scheme 2023. Collection method: clinical testing. Allele origin: germline.
Comment: The p.Q524E variant (also known as c.1570C>G), located in coding exon 10 of the BRIP1 gene, results from a C to G substitution at nucleotide position 1570. The glutamine at codon 524 is replaced by glutamic acid, an amino acid with highly similar properties. This amino acid position is well conserved in available vertebrate species. In addition, this alteration is predicted to be tolerated by in silico analysis. Since supporting evidence is limited at this time, the clinical significance of this alteration remains unclear.

NM_032043.3(BRIP1):c.1570C>G (p.Gln524Glu)

Gene: BRIP1 (BRCA1 interacting DNA helicase 1; minus strand). Cytogenetic location: 17q23.2.
Variant type: single nucleotide variant.
Coding change: c.1570C>G on transcript NM_032043.3 (MANE Select); coding-DNA position 1570, C replaced by G.
Protein change: p.Gln524Glu; replaces glutamine 524 with glutamic acid.
Molecular consequence: missense variant.
Genome position (GRCh38, 1-based): chr17:61,784,328, G>C on the plus strand (C>G on the coding strand, the complement: BRIP1 is on the minus strand). VCF-style: chr17-61784328-G-C. GRCh37 (hg19) VCF-style: chr17-59861689-G-C.
Other names: short protein forms Q524E.
Identifiers: ClinVar variation 819571 (VCV000819571.6), dbSNP rs1603336940, ClinGen allele CA400481118.